The following is an entry in ClinVar:

ClinVar aggregate classification (germline): Uncertain significance (1 of 4 stars; one submission).

Conditions:
Sphingolipid activator protein 1 deficiency. Also called: Metachromatic leukodystrophy due to saposin B deficiency; METACHROMATIC LEUKODYSTROPHY DUE TO CEREBROSIDE SULFATASE ACTIVATOR DEFICIENCY; Saposin B Deficiency. Identifiers: Orphanet 512, MedGen C0268262, MONDO:0009590, OMIM 249900.

Allele frequency attached by ClinVar (database versions not stated): gnomAD exomes below 0.00001; ExAC 0.00001; gnomAD 0.00001; TOPMed 0.00002; ESP Exome Variant Server 0.00015.
gnomAD v4.1: 4 of 1,614,038 alleles (0.00025%); highest among the groups gnomAD compares: Non-Finnish European, 0.00034%; no homozygotes.

Submission:

Labcorp Genetics (formerly Invitae), Labcorp
Classification: Uncertain significance for Sphingolipid activator protein 1 deficiency. Last evaluated: 2021-09-17. Review status: criteria provided, single submitter. Criteria: Invitae Variant Classification Sherloc (09022015). Collection method: clinical testing. Allele origin: germline.
Comment: This sequence change replaces glutamine with glutamic acid at codon 448 of the PSAP protein (p.Gln448Glu). The glutamine residue is moderately conserved and there is a small physicochemical difference between glutamine and glutamic acid. This variant is present in population databases (rs373185501, ExAC 0.001%). This variant has not been reported in the literature in individuals affected with PSAP-related conditions. Algorithms developed to predict the effect of missense changes on protein structure and function are either unavailable or do not agree on the potential impact of this missense change (SIFT: "Not Available"; PolyPhen-2: "Benign"; Align-GVGD: "Not Available"). In summary, the available evidence is currently insufficient to determine the role of this variant in disease. Therefore, it has been classified as a Variant of Uncertain Significance.

NM_002778.4(PSAP):c.1342C>G (p.Gln448Glu)

Gene: PSAP (prosaposin; minus strand). Cytogenetic location: 10q22.1.
Variant type: single nucleotide variant.
Coding change: c.1342C>G on transcript NM_002778.4 (MANE Select); coding-DNA position 1342, C replaced by G.
Protein change: p.Gln448Glu; replaces glutamine 448 with glutamic acid.
Molecular consequence: missense variant.
Genome position (GRCh38, 1-based): chr10:71,819,473, G>C on the plus strand (C>G on the coding strand, the complement: PSAP is on the minus strand). VCF-style: chr10-71819473-G-C. GRCh37 (hg19) VCF-style: chr10-73579230-G-C.
Other names: c.1351C>G, p.Gln451Glu (NM_001042465.3); c.1348C>G, p.Gln450Glu (NM_001042466.3); short protein forms Q448E, Q450E, Q451E.
Identifiers: ClinVar variation 2048128 (VCV002048128.1), dbSNP rs373185501, ClinGen allele CA5547396.